The following is an entry in ClinVar:

NM_152558.5(IQCE):c.1111T>C (p.Cys371Arg)

Gene: IQCE (IQ motif containing E; plus strand). Cytogenetic location: 7p22.3.
Variant type: single nucleotide variant.
Coding change: c.1111T>C on transcript NM_152558.5 (MANE Select); coding-DNA position 1111, T replaced by C.
Protein change: p.Cys371Arg; replaces cysteine 371 with arginine.
Molecular consequence: missense variant.
Genome position (GRCh38, 1-based): chr7:2,589,973, T>C. VCF-style: chr7-2589973-T-C. GRCh37 (hg19) VCF-style: chr7-2629607-T-C.
Other names: c.1111T>C, p.Cys371Arg (NM_001287499.2); c.1063T>C, p.Cys355Arg (NM_001287500.2); c.916T>C, p.Cys306Arg (NM_001287501.2, NM_001287502.2); short protein forms C371R, C306R, C355R.
Identifiers: ClinVar variation 786103 (VCV000786103.6), dbSNP rs61736917, ClinGen allele CA4129044.

ClinVar aggregate classification (germline): Benign. Review status: criteria provided, single submitter (1 of 4 stars). 2 submissions from 2 submitters: Benign (1). 1 of the submissions does not count toward it. Last evaluated 2019-12-31.

Conditions:
IQCE-related disorder. Also called: IQCE-related condition.

Allele frequency attached by ClinVar (database versions not stated): ExAC 0.00130; ESP Exome Variant Server 0.00356; gnomAD 0.00413 and 0.00453; TOPMed 0.00423; 1000 Genomes Project 30x 0.00484; 1000 Genomes Project 0.00499.
gnomAD v4.1: 1,202 of 1,613,976 alleles (0.074%); highest among the groups gnomAD compares: African/African-American, 1.4%; 8 homozygotes.

Submissions (2):

Labcorp Genetics (formerly Invitae), Labcorp
Classification: Benign. Last evaluated: 2019-12-31. Review status: criteria provided, single submitter. Criteria: Invitae Variant Classification Sherloc (09022015). Collection method: clinical testing. Allele origin: germline.

PreventionGenetics, part of Exact Sciences
Classification: Benign for IQCE-related condition. Last evaluated: 2023-11-30. Review status: no assertion criteria provided. Collection method: clinical testing. Allele origin: germline. Not counted in ClinVar's aggregate classification.
Comment: This variant is classified as benign based on ACMG/AMP sequence variant interpretation guidelines (Richards et al. 2015 PMID: 25741868, with internal and published modifications).